The following is an entry in ClinVar:

ClinVar aggregate classification (germline): Pathogenic (1 of 4 stars; one submission).

Conditions:
Familial adenomatous polyposis 1 (FAP1). Also called: FAMILIAL ADENOMATOUS POLYPOSIS 1, ATTENUATED; POLYPOSIS, ADENOMATOUS INTESTINAL. Identifiers: MedGen C2713442, MONDO:0021056, OMIM 175100. Disease mechanism: loss of function.

Submission:

Labcorp Genetics (formerly Invitae), Labcorp
Classification: Pathogenic for Familial adenomatous polyposis 1. Last evaluated: 2022-02-11. Review status: criteria provided, single submitter. Criteria: Invitae Variant Classification Sherloc (09022015). Collection method: clinical testing. Allele origin: germline.
Comment: For these reasons, this variant has been classified as Pathogenic. This variant has not been reported in the literature in individuals affected with APC-related conditions. This sequence change creates a premature translational stop signal (p.Leu360*) in the APC gene. It is expected to result in an absent or disrupted protein product. Loss-of-function variants in APC are known to be pathogenic (PMID: 17963004, 20685668). This variant is not present in population databases (gnomAD no frequency).

Literature cited by the submitters: PubMed 17963004; PubMed 20685668.

NM_000038.6(APC):c.1079T>A (p.Leu360Ter)

Gene: APC (APC regulator of Wnt signaling pathway; plus strand). Cytogenetic location: 5q22.2.
Variant type: single nucleotide variant.
Coding change: c.1079T>A on transcript NM_000038.6 (MANE Select); coding-DNA position 1079, T replaced by A.
Protein change: p.Leu360Ter; replaces leucine 360 with a stop codon.
Molecular consequence: nonsense. On other transcripts: intron variant (4).
Genome position (GRCh38, 1-based): chr5:112,819,111, T>A. VCF-style: chr5-112819111-T-A. GRCh37 (hg19) VCF-style: chr5-112154808-T-A.
Other names: c.1079T>A, p.Leu360Ter (NM_001127510.3, NM_001354895.2, NM_001354896.2 and 4 more transcripts); c.1025T>A, p.Leu342Ter (NM_001127511.3); c.1109T>A, p.Leu370Ter (NM_001354897.2, NM_001407446.1); c.1004T>A, p.Leu335Ter (NM_001354898.2, NM_001407451.1); c.995T>A, p.Leu332Ter (NM_001354899.2, NM_001407452.1); c.902T>A, p.Leu301Ter (NM_001354900.2, NM_001354901.2, NM_001407453.1); c.230T>A, p.Leu77Ter (NM_001354906.2, NM_001407470.1); c.964-158T>A (NM_001354902.2); and 3 more; short protein forms L332*, L301*, L342*, L360*, L370*, L77*, L335*.
Identifiers: ClinVar variation 2096986 (VCV002096986.4), dbSNP rs2149780840, ClinGen allele CA16023670.